The following is an entry in ClinVar:

ClinVar aggregate classification (germline): Uncertain significance (1 of 4 stars; one submission).

Conditions:
Ullrich congenital muscular dystrophy 1A. Also called: Ullrich congenital muscular dystrophy 1; Intermediate COL6-RD. Identifiers: Orphanet 75840, MedGen C0410179, MONDO:0009681, OMIM 254090.

Allele frequency attached by ClinVar (database versions not stated): TOPMed below 0.00001.

Submission:

Victorian Clinical Genetics Services, Murdoch Childrens Research Institute
Classification: Uncertain significance for Ullrich congenital muscular dystrophy 1A. Last evaluated: 2023-07-17. Review status: criteria provided, single submitter. Criteria: ACMG Guidelines, 2015. Collection method: clinical testing. Allele origin: germline. Inheritance: Autosomal recessive inheritance. Affected: yes.
Comment: Based on the classification scheme VCGS_Germline_v1.3.4, this variant is classified as VUS-3B. Following criteria are met: 0103 - Dominant negative and loss of function are known mechanisms of disease in this gene. Dominant negative is associated with autosomal dominant disease due to missense variants affecting a glycine residue within a Gly-X-Y triple helical repeat while loss of function is associated with recessive disease due to other missense and protein-truncating variants (OMIM, PMID: 20301676). (I) 0108 - This gene is associated with both recessive and dominant disease. This gene is associated with autosomal recessive dystonia 27 (MIM#616411) and autosomal recessive and dominant Bethlem myopathy 1 (MIM#158810) and Ullrich congenital muscular dystrophy 1 (MIM#254090). (I) 0200 - Variant is predicted to result in a missense amino acid change from glycine to alanine. (I) 0251 - This variant is heterozygous. (I) 0301 - Variant is absent from gnomAD (both v2 and v3). (SP) 0309 - An alternative amino acid change at the same position has been observed in gnomAD (v2) (1 heterozygote, 0 homozygotes). (I) 0501 - Missense variant consistently predicted to be damaging by multiple in silico tools or highly conserved with a major amino acid change. (SP) 0600 - Variant is located in the annotated VWFA domain (UniProt). (I) 0705 - No comparable missense variants have previous evidence for pathogenicity. (I) 0807 - This variant has no previous evidence of pathogenicity. (I) 0905 - No published segregation evidence has been identified for this variant. (I) 1007 - No published functional evidence has been identified for this variant. (I) Legend: (SP) - Supporting pathogenic, (I) - Information, (SB) - Supporting benign

Literature cited by the submitters: PubMed 20301676.

NM_004369.4(COL6A3):c.4532G>C (p.Gly1511Ala)

Gene: COL6A3 (collagen type VI alpha 3 chain; minus strand). Cytogenetic location: 2q37.3.
Variant type: single nucleotide variant.
Coding change: c.4532G>C on transcript NM_004369.4 (MANE Select); coding-DNA position 4532, G replaced by C.
Protein change: p.Gly1511Ala; replaces glycine 1511 with alanine.
Molecular consequence: missense variant.
Genome position (GRCh38, 1-based): chr2:237,368,931, C>G on the plus strand (G>C on the coding strand, the complement: COL6A3 is on the minus strand). VCF-style: chr2-237368931-C-G. GRCh37 (hg19) VCF-style: chr2-238277574-C-G.
Other names: c.2711G>C, p.Gly904Ala (NM_057166.5); c.3914G>C, p.Gly1305Ala (NM_057167.4); short protein forms G1305A, G1511A, G904A.
Identifiers: ClinVar variation 2500715 (VCV002500715.2), dbSNP rs1356579932, ClinGen allele CA351193138.